The following is an entry in ClinVar:

NM_000548.5(TSC2):c.2389A>G (p.Ile797Val)

Gene: TSC2 (TSC complex subunit 2; plus strand). Cytogenetic location: 16p13.3.
Variant type: single nucleotide variant.
Coding change: c.2389A>G on transcript NM_000548.5 (MANE Select); coding-DNA position 2389, A replaced by G.
Protein change: p.Ile797Val; replaces isoleucine 797 with valine.
Molecular consequence: missense variant.
Genome position (GRCh38, 1-based): chr16:2,074,233, A>G. VCF-style: chr16-2074233-A-G. GRCh37 (hg19) VCF-style: chr16-2124234-A-G.
Other names: c.2389A>G, p.Ile797Val (NM_001077183.3, NM_001114382.3, NM_001363528.2 and 3 more transcripts); c.2278A>G, p.Ile760Val (NM_001318827.2); c.2242A>G, p.Ile748Val (NM_001318829.2); c.1789A>G, p.Ile597Val (NM_001318831.2); c.2422A>G, p.Ile808Val (NM_001318832.2); short protein forms I597V, I760V, I808V, I748V, I797V.
Identifiers: ClinVar variation 942158 (VCV000942158.13), dbSNP rs1240217406, ClinGen allele CA394277059.

ClinVar aggregate classification (germline): Conflicting classifications of pathogenicity. Review status: criteria provided, conflicting classifications (1 of 4 stars). 3 submissions from 3 submitters: Uncertain significance (2); Benign (1). Last evaluated 2024-10-27.

Conditions:
Hereditary cancer-predisposing syndrome. Also called: Neoplastic Syndromes, Hereditary; Hereditary neoplastic syndrome; Hereditary Cancer Syndrome; Tumor predisposition. Identifiers: Orphanet 140162, MedGen C0027672, MeSH D009386, MONDO:0015356.
Tuberous sclerosis 2 (TSC2). Identifiers: Orphanet 805, MedGen C1860707, MONDO:0013199, OMIM 613254.

Allele frequency attached by ClinVar (database versions not stated): gnomAD exomes below 0.00001.
gnomAD v4.1: 3 of 1,612,266 alleles (0.00019%); highest among the groups gnomAD compares: South Asian, 0.0022%; no homozygotes.

Submissions (3):

Labcorp Genetics (formerly Invitae), Labcorp
Classification: Benign for Tuberous sclerosis 2. Last evaluated: 2024-10-27. Review status: criteria provided, single submitter. Criteria: Invitae Variant Classification Sherloc (09022015). Collection method: clinical testing. Allele origin: germline.

Ambry Genetics
Classification: Uncertain significance for Hereditary cancer-predisposing syndrome. Last evaluated: 2024-03-23. Review status: criteria provided, single submitter. Criteria: Ambry Variant Classification Scheme 2023. Collection method: clinical testing. Allele origin: germline.
Comment: The p.I797V variant (also known as c.2389A>G), located in coding exon 21 of the TSC2 gene, results from an A to G substitution at nucleotide position 2389. The isoleucine at codon 797 is replaced by valine, an amino acid with highly similar properties. This amino acid position is conserved. In addition, the in silico prediction for this alteration is inconclusive. Based on the available evidence, the clinical significance of this alteration remains unclear.

Revvity Omics, Revvity
Classification: Uncertain significance for Tuberous sclerosis 2. Last evaluated: 2021-02-20. Review status: criteria provided, single submitter. Criteria: ACMG Guidelines, 2015. Collection method: clinical testing. Allele origin: germline.